The following is an entry in ClinVar:

ClinVar aggregate classification (germline): Benign/Likely benign. Review status: criteria provided, multiple submitters, no conflicts (2 of 4 stars). 2 submissions from 2 submitters: Benign (1); Likely benign (1). Last evaluated 2026-07-01.

Conditions:
Sessile serrated polyposis cancer syndrome (SSPCS). Identifiers: Orphanet 157798, MedGen C4310714, MONDO:0014919, OMIM 617108.

Submissions (2):

Myriad Genetics, Inc.
Classification: Benign for Sessile serrated polyposis cancer syndrome. Last evaluated: 2026-07-01. Review status: criteria provided, single submitter. Criteria: Myriad Autosomal Dominant, Autosomal Recessive and X-Linked Classification Criteria (2023). Collection method: clinical testing. Allele origin: unknown.
Comment: This variant is considered benign. This variant is a silent/synonymous amino acid change and it is not expected to impact splicing.

Ambry Genetics
Classification: Likely benign. Last evaluated: 2025-11-02. Review status: criteria provided, single submitter. Criteria: Ambry Variant Classification Scheme 2023. Collection method: clinical testing. Allele origin: germline.

NM_017763.6(RNF43):c.1461A>G (p.Leu487=)

Gene: RNF43 (ring finger protein 43; minus strand). Cytogenetic location: 17q22.
Variant type: single nucleotide variant.
Coding change: c.1461A>G on transcript NM_017763.6 (MANE Select); coding-DNA position 1461, A replaced by G.
Protein change: p.Leu487=; no amino-acid change (leucine 487 retained).
Molecular consequence: synonymous variant.
Genome position (GRCh38, 1-based): chr17:58,358,315, T>C on the plus strand (A>G on the coding strand, the complement: RNF43 is on the minus strand). VCF-style: chr17-58358315-T-C. GRCh37 (hg19) VCF-style: chr17-56435676-T-C.
Other names: c.1461A>G, p.Leu487= (NM_001305544.3, NM_001438820.1, NM_001438821.1 and 1 more transcripts); c.1080A>G, p.Leu360= (NM_001305545.2, NM_001437987.1).
Identifiers: ClinVar variation 4578983 (VCV004578983.2).